The following is an entry in ClinVar:

ClinVar aggregate classification (germline): Pathogenic (1 of 4 stars; one submission).

Submission:

Labcorp Genetics (formerly Invitae), Labcorp
Classification: Pathogenic. Last evaluated: 2022-09-12. Review status: criteria provided, single submitter. Criteria: Invitae Variant Classification Sherloc (09022015). Collection method: clinical testing. Allele origin: germline.
Comment: For these reasons, this variant has been classified as Pathogenic. ClinVar contains an entry for this variant (Variation ID: 1454829). This variant has not been reported in the literature in individuals affected with COL4A4-related conditions. This variant is not present in population databases (gnomAD no frequency). This sequence change creates a premature translational stop signal (p.Ser739Leufs*7) in the COL4A4 gene. It is expected to result in an absent or disrupted protein product. Loss-of-function variants in COL4A4 are known to be pathogenic (PMID: 21196518, 24854265, 25307543).

Literature cited by the submitters: PubMed 21196518; PubMed 24854265; PubMed 25307543.

NM_000092.5(COL4A4):c.2215_2236del (p.Ser739fs)

Gene: COL4A4 (collagen type IV alpha 4 chain; minus strand). Cytogenetic location: 2q36.3.
Variant type: Deletion.
Coding change: c.2215_2236del on transcript NM_000092.5 (MANE Select); coding-DNA positions 2215 to 2236, 22 bases deleted (TCCCCTGTTGGGCCCCCAGGCC).
Protein change: p.Ser739fs; shifts the reading frame from serine 739.
Molecular consequence: frameshift variant.
Genome position (GRCh38, 1-based): chr2:227,059,552-227,059,573, GGCCTGGGGGCCCAACAGGGGA deleted on the plus strand (TCCCCTGTTGGGCCCCCAGGCC on the coding strand, the reverse complement: COL4A4 is on the minus strand); deleting any 22 consecutive bases within chr2:227,059,552-227,059,575 gives the same sequence; the c. name uses the placement nearest the transcript's 3' end. VCF-style (leftmost placement, unchanged base first): chr2-227059551-GGGCCTGGGGGCCCAACAGGGGA-G. GRCh37 (hg19) VCF-style: chr2-227924267-GGGCCTGGGGGCCCAACAGGGGA-G.
Other names: short protein forms S739fs.
Identifiers: ClinVar variation 1454829 (VCV001454829.6), dbSNP rs2150275655, ClinGen allele CA2573135648.
Genomic context (GRCh38, chr2:227,059,551, plus strand): 5'-TGACCAAATGCAGGGTCTCCCGGGATTCCTTTCTGACCATTCACTCCTGGTGAGCCGGGA[GGGCCTGGGGGCCCAACAGGGGA>G]GGACCCCTTTTCACCTCCAAAACCCGGATCTCCCATGTCACCACGAAAACCTATTTAACA-3'